The following is an entry in ClinVar:

NM_020631.6(PLEKHG5):c.1086C>G (p.Phe362Leu)

Gene: PLEKHG5 (pleckstrin homology and RhoGEF domain containing G5; minus strand). Cytogenetic location: 1p36.31.
Variant type: single nucleotide variant.
Coding change: c.1086C>G on transcript NM_020631.6 (MANE Select); coding-DNA position 1086, C replaced by G.
Protein change: p.Phe362Leu; replaces phenylalanine 362 with leucine.
Molecular consequence: missense variant.
Genome position (GRCh38, 1-based): chr1:6,471,803, G>C on the plus strand (C>G on the coding strand, the complement: PLEKHG5 is on the minus strand). VCF-style: chr1-6471803-G-C. GRCh37 (hg19) VCF-style: chr1-6531863-G-C.
Other names: c.1197C>G, p.Phe399Leu (NM_001042663.3, NM_001265592.2); c.1086C>G, p.Phe362Leu (NM_001042664.2, NM_001042665.2, NM_001265594.3 and 1 more transcripts); c.1293C>G, p.Phe431Leu (NM_001265593.2); short protein forms F362L, F431L, F399L.
Identifiers: ClinVar variation 2039438 (VCV002039438.4), dbSNP rs1453195532, ClinGen allele CA338132230.
Genomic context (GRCh38, chr1:6,471,803, plus strand): 5'-CGAATCCCAGCGCACCTCACACAGCAGCCCTGACTCTTGCAGGTTCAGGAGGCAGCACAG[G>C]AACAGCTGTGGGATCAGGGGATGGTGTGACTGGGGTCGGGAGGCTGTCTCAGCCCTAGGG-3'
Protein context (NP_065682.2, residues 352-372): IRKLRVIINL[Phe362Leu]LCCLLNLQES

ClinVar aggregate classification (germline): Uncertain significance (1 of 4 stars; one submission).

Conditions:
Neuronopathy, distal hereditary motor, autosomal recessive 4. Also called: NEUROPATHY, DISTAL HEREDITARY MOTOR, AUTOSOMAL RECESSIVE 4; Autosomal recessive lower motor neuron disease with childhood onset. Identifiers: Orphanet 206580, MedGen C1970211, MONDO:0012608, OMIM 611067.
Charcot-Marie-Tooth disease recessive intermediate C. Also called: CHARCOT-MARIE-TOOTH NEUROPATHY, RECESSIVE INTERMEDIATE C. Identifiers: Orphanet 369867, MedGen C3809309, MONDO:0014154, OMIM 615376.

Submission:

Labcorp Genetics (formerly Invitae), Labcorp
Classification: Uncertain significance for Neuronopathy, distal hereditary motor, autosomal recessive 4; Charcot-Marie-Tooth disease recessive intermediate C. Last evaluated: 2022-08-09. Review status: criteria provided, single submitter. Criteria: Invitae Variant Classification Sherloc (09022015). Collection method: clinical testing. Allele origin: germline.
Comment: In summary, the available evidence is currently insufficient to determine the role of this variant in disease. Therefore, it has been classified as a Variant of Uncertain Significance. Algorithms developed to predict the effect of missense changes on protein structure and function (SIFT, PolyPhen-2, Align-GVGD) all suggest that this variant is likely to be tolerated. This variant has not been reported in the literature in individuals affected with PLEKHG5-related conditions. This variant is not present in population databases (gnomAD no frequency). This sequence change replaces phenylalanine, which is neutral and non-polar, with leucine, which is neutral and non-polar, at codon 362 of the PLEKHG5 protein (p.Phe362Leu).